The following is an entry in ClinVar:

NM_000053.4(ATP7B):c.2128G>A (p.Gly710Ser)

Gene: ATP7B (ATPase copper transporting beta; minus strand). Cytogenetic location: 13q14.3.
Variant type: single nucleotide variant.
Coding change: c.2128G>A on transcript NM_000053.4 (MANE Select); coding-DNA position 2128, G replaced by A.
Protein change: p.Gly710Ser; replaces glycine 710 with serine.
Molecular consequence: missense variant. On other transcripts: intron variant (2).
Genome position (GRCh38, 1-based): chr13:51,958,538, C>T on the plus strand (G>A on the coding strand, the complement: ATP7B is on the minus strand). VCF-style: chr13-51958538-C-T. GRCh37 (hg19) VCF-style: chr13-52532674-C-T.
Other names: c.1795G>A, p.Gly599Ser (NM_001243182.2); c.1876G>A, p.Gly626Ser (NM_001330579.2); c.1870-931G>A (NM_001005918.3); c.2122-931G>A (NM_001330578.2); short protein forms G710S, G599S, G626S.
Identifiers: ClinVar variation 156281 (VCV000156281.91), dbSNP rs137853285, ClinGen allele CA270731.
Genomic context (GRCh38, chr13:51,958,538, plus strand): 5'-CCATGTTGGCTGACCTGTGTCTCAGAGATTTGTAGGCCTGAACGTAGAAGTACCACCCAC[C>T]GAGGAGCTGAAAGACAAGGACAGTGAAGGCTGCCAGCAAGTAGGGAGGAGAGTTCAATGA-3'
Protein context (NP_000044.2, residues 700-720): FILCTFVQLL[Gly710Ser]GWYFYVQAYK

ClinVar aggregate classification (germline): Pathogenic/Likely pathogenic. Review status: criteria provided, multiple submitters, no conflicts (2 of 4 stars). 24 submissions from 24 submitters: Pathogenic (21); Likely pathogenic (1). 2 of the submissions do not count toward it. Last evaluated 2026-09-23.

Conditions:
ATP7B-related disorder. Also called: ATP7B-related condition.
Wilson disease (WND). Also called: Wilson's disease. Identifiers: Orphanet 905, MedGen C0019202, MONDO:0010200, OMIM 277900. Disease mechanism: loss of function.

Allele frequency attached by ClinVar (database versions not stated): gnomAD exomes 0.00002; TOPMed 0.00002; gnomAD 0.00005.
gnomAD v4.1: 45 of 1,613,924 alleles (0.0028%); highest among the groups gnomAD compares: Middle Eastern, 0.033%; no homozygotes.

Submissions 1 to 11 of 24:

GeneDx
Classification: Pathogenic. Last evaluated: 2026-09-23. Review status: criteria provided, single submitter. Criteria: GeneDx Variant Classification Process June 2021. Collection method: clinical testing. Allele origin: germline.
Comment: Published functional studies found this variant is associated with significantly impaired copper uptake (PMID: 22240481); In silico analysis supports that this missense variant has a deleterious effect on protein structure/function; Not observed at significant frequency in large population cohorts (gnomAD); This variant is associated with the following publications: (PMID: 11857545, 10544227, 11690702, 37737146, 35864215, 37152446, 35271763, 22692182, 9311736, 16133174, 17717039, 14966923, 24253677, 15967699, 23891399, 17919502, 12557139, 9887381, 23333878, 31169307, 34426522, 10406672, 8938442, 38167091, 39767741, 39628766, 39267050, 22240481, 27398169, 31708252, 35220961, 34400371)

Dasa
Classification: Pathogenic. Last evaluated: 2026-04-21. Review status: criteria provided, single submitter. Criteria: DASA Assertion Criteria. Collection method: clinical testing. Allele origin: germline.
Comment: NM_000053.4(ATP7B):c.2128G>A (p.Gly710Ser) is a missense variant that results in the substitution of glycine with serine. The affected residue or protein region has prior evidence supporting clinical relevance. This variant has been observed in affected individuals with related phenotype in a genotype context consistent with recessive disease (PMID: 8938442; PMID: 10544227; PMID: 16133174; PMID: 16233999; PMID: 17433323). Functional evidence supports a deleterious effect on the gene or gene product (PMID: 8938442; PMID: 10544227; PMID: 16133174; PMID: 16233999; PMID: 17433323). This variant has been recurrently observed in individuals with related phenotype (PMID: 8938442; PMID: 10544227; PMID: 16133174; PMID: 16233999; PMID: 17433323). Multiple computational predictions support a deleterious effect on the gene or gene product. The variant is present at low frequency in population datasets. Based on the available data, this variant is classified as pathogenic.

CeGaT Center for Human Genetics Tuebingen
Classification: Pathogenic. Last evaluated: 2026-01-01. Review status: criteria provided, single submitter. Criteria: CeGaT Center For Human Genetics Tuebingen Variant Classification Criteria Version 2. Collection method: clinical testing. Allele origin: germline. Affected: yes. Observed: 4 variant alleles.
Comment: ATP7B: PM3:Very Strong, PM2, PM5, PP4, PS3:Supporting

Natera, Inc.
Classification: Pathogenic for Wilson disease. Last evaluated: 2025-12-14. Review status: criteria provided, single submitter. Criteria: Natera Variant Classification Schema (03/2026). Collection method: clinical testing. Allele origin: germline.
Comment: The c.2128G>A variant in ATP7B is a missense variant predicted to cause substitution of glycine to serine at amino acid 710. This variant is rare in the general population with a frequency below the threshold expected for the associated phenotype(s). This variant has been observed in one or more individuals affected with the associated recessive disease, as either homozygous or compound heterozygous with a second variant (PMID: 33640437). Given the available evidence, this variant is classified as Pathogenic.

Labcorp Genetics (formerly Invitae), Labcorp
Classification: Pathogenic for Wilson disease. Last evaluated: 2025-12-08. Review status: criteria provided, single submitter. Criteria: Invitae Variant Classification Sherloc (09022015). Collection method: clinical testing. Allele origin: germline.
Comment: This sequence change replaces glycine, which is neutral and non-polar, with serine, which is neutral and polar, at codon 710 of the ATP7B protein (p.Gly710Ser). This variant is present in population databases (rs137853285, gnomAD 0.004%). This missense change has been observed in individual(s) with Wilson disease (PMID: 8938442, 10544227, 15967699, 16133174, 16233999, 17433323, 27398169). ClinVar contains an entry for this variant (Variation ID: 156281). Invitae Evidence Modeling of protein sequence and biophysical properties (such as structural, functional, and spatial information, amino acid conservation, physicochemical variation, residue mobility, and thermodynamic stability) indicates that this missense variant is expected to disrupt ATP7B protein function with a positive predictive value of 80%. Experimental studies have shown that this missense change affects ATP7B function (PMID: 22240481). For these reasons, this variant has been classified as Pathogenic.

Color Diagnostics, LLC DBA Color Health
Classification: Pathogenic for Wilson disease. Last evaluated: 2025-11-11. Review status: criteria provided, single submitter. Criteria: ACMG Guidelines, 2015. Collection method: clinical testing. Allele origin: germline.
Comment: This missense variant replaces glycine with serine at codon 710 of the ATP7B protein. Computational prediction suggests that this variant may have deleterious impact on protein structure and function. This variant alters a residue in the transmembrane domain MB helix of the ATP7B protein (a.a. 694 - 724), a highly conserved region that is considered to be important for ATP7B protein function (PMID: 35245129ClinVar). Functional studies have shown that this variant disrupts copper transport activity (PMID: 9311736, 22240481, 24253677). This variant has been reported in over thirty individuals affected with Wilson disease (PMID: 8938442, 9311736, 10406672, 10544227, 11690702, 11857545, 15967699, 16133174, 16233999, 17433323, 19596473, 26215059, 27398169, 31708252). In a number of these individuals, this variant was confirmed to be in the compound heterozygous or homozygous state (PMID: 10406672, 11857545, 16233999, 19596473). This variant has been identified in 45/1613924 chromosomes in the general population by the Genome Aggregation Database (gnomAD). Based on the available evidence, this variant is classified as Pathogenic.

Myriad Genetics, Inc.
Classification: Likely pathogenic for Wilson disease. Last evaluated: 2025-01-07. Review status: criteria provided, single submitter. Criteria: Myriad Autosomal Dominant, Autosomal Recessive and X-Linked Classification Criteria (2023). Collection method: clinical testing. Allele origin: unknown.
Comment: NM_000053.3(ATP7B):c.2128G>A(G710S) is a missense variant classified as pathogenic in the context of Wilson disease. G710S has been observed in cases with relevant disease (PMID: 19596473, 23333878). Relevant functional assessments of this variant are available in the literature (PMID: 12557139). G710S has been observed in referenced population frequency databases. In summary, NM_000053.3(ATP7B):c.2128G>A(G710S) is a missense variant that has been observed more frequently in cases with the relevant disease than in healthy populations. Please note: this variant was assessed in the context of healthy population screening.

Blueprint Genetics
Classification: Pathogenic for ATP7B-related disorders. Last evaluated: 2024-10-21. Review status: criteria provided, single submitter. Criteria: ACMG Guidelines, 2015. Collection method: clinical testing. Allele origin: germline. Affected: yes. Observed: 5 variant alleles.

Lildballe Lab, Aarhus University Hospital
Classification: Pathogenic for Wilson disease. Last evaluated: 2024-08-29. Review status: criteria provided, single submitter. Criteria: ACMG Guidelines, 2015. Collection method: clinical testing. Allele origin: germline. Affected: yes.
Comment: PP5, PM5, PP3, PM1, PM2

All of Us Research Program, National Institutes of Health
Classification: Pathogenic for Wilson disease. Last evaluated: 2024-08-06. Review status: criteria provided, single submitter. Criteria: ACMG Guidelines, 2015. Collection method: clinical testing. Allele origin: germline. Inheritance: Autosomal recessive inheritance. Observed: 19 variant alleles, 19 heterozygotes.
Comment: This missense variant replaces glycine with serine at codon 710 of the ATP7B protein. Computational prediction suggests that this variant may have deleterious impact on protein structure and function. This variant alters a residue in the transmembrane domain MB helix of the ATP7B protein (a.a. 694 - 724), a highly conserved region that is considered to be important for ATP7B protein function (PMID: 35245129; ClinVar). Functional studies have shown that this variant disrupts copper transport activity (PMID: 9311736, 22240481, 24253677). This variant has been reported in over thirty individuals affected with Wilson disease (PMID: 8938442, 9311736, 10406672, 10544227, 11690702, 11857545, 15967699, 16133174, 16233999, 17433323, 19596473, 26215059, 27398169, 31708252). In a number of these individuals, this variant was confirmed to be in the compound heterozygous or homozygous state (PMID: 10406672, 11857545, 16233999, 19596473). This variant has been identified in 4/248838 chromosomes in the general population by the Genome Aggregation Database (gnomAD). Based on the available evidence, this variant is classified as Pathogenic.

This study involves interpretation of variants in research participants for the purpose of population health screening. Participant phenotype was not available at the time of variant classification. Additional details can be found in publication PMID: 35346344, PMCID: PMC8962531

Fulgent Genetics
Classification: Pathogenic for Wilson disease. Last evaluated: 2024-06-13. Review status: criteria provided, single submitter. Criteria: ACMG Guidelines, 2015. Collection method: clinical testing. Allele origin: germline.